The following is an entry in ClinVar:

ClinVar aggregate classification (germline): Uncertain significance (1 of 4 stars; one submission).

Submission:

Ambry Genetics
Classification: Uncertain significance. Last evaluated: 2026-04-12. Review status: criteria provided, single submitter. Criteria: Ambry Variant Classification Scheme 2023. Collection method: clinical testing. Allele origin: germline.
Comment: The p.P153Q variant (also known as c.458C>A), located in coding exon 1 of the PALLD gene, results from a C to A substitution at nucleotide position 458. The proline at codon 153 is replaced by glutamine, an amino acid with similar properties. This amino acid position is conserved. In addition, this alteration is predicted to be tolerated by in silico analysis. Based on the available evidence, the clinical significance of this variant remains unclear.

NM_001166108.2(PALLD):c.1965-12573C>A

Gene: PALLD (palladin, cytoskeletal associated protein; plus strand). Cytogenetic location: 4q32.3.
Variant type: single nucleotide variant.
Coding change: c.1965-12573C>A on transcript NM_001166108.2 (MANE Select); 12573 bases into the intron before coding-DNA position 1965, C replaced by A.
Molecular consequence: intron variant. On other transcripts: missense variant (1).
Genome position (GRCh38, 1-based): chr4:168,878,349, C>A. VCF-style: chr4-168878349-C-A. GRCh37 (hg19) VCF-style: chr4-169799500-C-A.
Other names: c.458C>A, p.Pro153Gln (NM_001166110.2); c.1965-12573C>A (NM_016081.4); c.819-12573C>A (NM_001166109.2); c.-157-12573C>A (NM_001367570.1, NM_001367568.1, NM_001367567.1 and 1 more transcripts); short protein forms P153Q.
Identifiers: ClinVar variation 4861533 (VCV004861533.1).